The following is an entry in ClinVar:

NM_000271.5(NPC1):c.829A>G (p.Met277Val)

Gene: NPC1 (NPC intracellular cholesterol transporter 1; minus strand). Cytogenetic location: 18q11.2.
Variant type: single nucleotide variant.
Coding change: c.829A>G on transcript NM_000271.5 (MANE Select); coding-DNA position 829, A replaced by G.
Protein change: p.Met277Val; replaces methionine 277 with valine.
Molecular consequence: missense variant.
Genome position (GRCh38, 1-based): chr18:23,560,283, T>C on the plus strand (A>G on the coding strand, the complement: NPC1 is on the minus strand). VCF-style: chr18-23560283-T-C. GRCh37 (hg19) VCF-style: chr18-21140247-T-C.
Other names: short protein forms M277V.
Identifiers: ClinVar variation 2167735 (VCV002167735.1), dbSNP rs781523834, ClinGen allele CA8913633.

ClinVar aggregate classification (germline): Uncertain significance (1 of 4 stars; one submission).

Conditions:
Niemann-Pick disease, type C1. Also called: NEUROVISCERAL STORAGE DISEASE WITH VERTICAL SUPRANUCLEAR OPHTHALMOPLEGIA; NIEMANN-PICK DISEASE WITH CHOLESTEROL ESTERIFICATION BLOCK; NIEMANN-PICK DISEASE WITHOUT SPHINGOMYELINASE DEFICIENCY; NIEMANN-PICK DISEASE, CHRONIC NEURONOPATHIC FORM; NIEMANN-PICK DISEASE, VARIANT TYPE C1. Identifiers: Orphanet 646, MedGen C3179455, MONDO:0009757, OMIM 257220.

Allele frequency attached by ClinVar (database versions not stated): TOPMed 0.00001; ExAC 0.00002.
gnomAD v4.1: 6 of 1,614,066 alleles (0.00037%); highest among the groups gnomAD compares: South Asian, 0.0022%; 1 homozygote.

Submission:

Labcorp Genetics (formerly Invitae), Labcorp
Classification: Uncertain significance for Niemann-Pick disease, type C1. Last evaluated: 2022-06-20. Review status: criteria provided, single submitter. Criteria: Invitae Variant Classification Sherloc (09022015). Collection method: clinical testing. Allele origin: germline.
Comment: This sequence change replaces methionine, which is neutral and non-polar, with valine, which is neutral and non-polar, at codon 277 of the NPC1 protein (p.Met277Val). This variant is present in population databases (rs781523834, gnomAD 0.007%). This variant has not been reported in the literature in individuals affected with NPC1-related conditions. Advanced modeling of protein sequence and biophysical properties (such as structural, functional, and spatial information, amino acid conservation, physicochemical variation, residue mobility, and thermodynamic stability) performed at Invitae indicates that this missense variant is not expected to disrupt NPC1 protein function. In summary, the available evidence is currently insufficient to determine the role of this variant in disease. Therefore, it has been classified as a Variant of Uncertain Significance.